The following is an entry in ClinVar:

ClinVar aggregate classification (germline): Conflicting classifications of pathogenicity. Review status: criteria provided, conflicting classifications (1 of 4 stars). 5 submissions from 5 submitters: Uncertain significance (4); Likely benign (1). Last evaluated 2025-09-07.

Conditions:
Hereditary cancer-predisposing syndrome. Also called: Tumor predisposition; Hereditary Cancer Syndrome; Hereditary neoplastic syndrome; Neoplastic Syndromes, Hereditary. Identifiers: Orphanet 140162, MedGen C0027672, MeSH D009386, MONDO:0015356.
Hereditary breast ovarian cancer syndrome. Also called: Breast and ovarian cancer; Hereditary breast and ovarian cancer; Hereditary breast and/or ovarian cancer syndrome; BRCA1- and BRCA2-Associated Hereditary Breast and Ovarian Cancer; Hereditary breast and ovarian cancer syndrome (HBOC); Hereditary breast and ovarian cancer syndrome. Identifiers: Orphanet 145, MedGen C0677776, MeSH D061325, MONDO:0003582. Disease mechanism: loss of function.

Allele frequency attached by ClinVar (database versions not stated): gnomAD exomes below 0.00001.
gnomAD v4.1: 1 of 1,613,702 alleles (0.000062%); no homozygotes.

Submissions (5):

Ambry Genetics
Classification: Uncertain significance for Hereditary cancer-predisposing syndrome. Last evaluated: 2025-09-07. Review status: criteria provided, single submitter. Criteria: Ambry Variant Classification Scheme 2023. Collection method: clinical testing. Allele origin: germline.
Comment: The p.Y2047C variant (also known as c.6140A>G), located in coding exon 10 of the BRCA2 gene, results from an A to G substitution at nucleotide position 6140. The tyrosine at codon 2047 is replaced by cysteine, an amino acid with highly dissimilar properties. This amino acid position is poorly conserved in available vertebrate species. In addition, this alteration is predicted to be tolerated by in silico analysis. Since supporting evidence is limited at this time, the clinical significance of this alteration remains unclear.

Labcorp Genetics (formerly Invitae), Labcorp
Classification: Uncertain significance for Hereditary breast ovarian cancer syndrome. Last evaluated: 2025-04-21. Review status: criteria provided, single submitter. Criteria: Invitae Variant Classification Sherloc (09022015). Collection method: clinical testing. Allele origin: germline.
Comment: This sequence change replaces tyrosine, which is neutral and polar, with cysteine, which is neutral and slightly polar, at codon 2047 of the BRCA2 protein (p.Tyr2047Cys). This variant is present in population databases (rs730881542, gnomAD 0.0009%). This missense change has been observed in individual(s) with breast cancer (PMID: 30287823). ClinVar contains an entry for this variant (Variation ID: 182224). Invitae Evidence Modeling of protein sequence and biophysical properties (such as structural, functional, and spatial information, amino acid conservation, physicochemical variation, residue mobility, and thermodynamic stability) indicates that this missense variant is not expected to disrupt BRCA2 protein function with a negative predictive value of 95%. In summary, the available evidence is currently insufficient to determine the role of this variant in disease. Therefore, it has been classified as a Variant of Uncertain Significance.

University of Washington Department of Laboratory Medicine, University of Washington
Classification: Likely benign for Hereditary cancer-predisposing syndrome. Last evaluated: 2023-03-23. Review status: criteria provided, single submitter. Criteria: Dines et al. (Genet Med. 2020). Collection method: curation. Allele origin: germline.
Comment: Missense variant in a coldspot region where missense variants are very unlikely to be pathogenic (PMID:31911673).

BRCA2 exon 11 coldspot. Reclassification based on statistical prior probability.

Color Diagnostics, LLC DBA Color Health
Classification: Uncertain significance for Hereditary cancer-predisposing syndrome. Last evaluated: 2019-05-04. Review status: criteria provided, single submitter. Criteria: ACMG Guidelines, 2015. Collection method: clinical testing. Allele origin: germline.

GeneDx
Classification: Uncertain significance. Last evaluated: 2016-10-03. Review status: criteria provided, single submitter. Criteria: GeneDx Variant Classification (06012015). Collection method: clinical testing. Allele origin: germline. Affected: yes.
Comment: This variant is denoted BRCA2 c.6140A>G at the cDNA level, p.Tyr2047Cys (Y2047C) at the protein level, and results in the change of a Tyrosine to a Cysteine (TAT>TGT). Using alternate nomenclature, this variant would be defined as BRCA2 6368A>G. This variant has not, to our knowledge, been published in the literature as pathogenic or benign. BRCA2 Tyr2047Cys was not observed in approximately 6,500 individuals of European and African American ancestry in the NHLBI Exome Sequencing Project, indicating it is not a common benign variant in these populations. Since Tyrosine and Cysteine differ in polarity, charge, size or other properties, this is considered a non-conservative amino acid substitution. BRCA2 Tyr2047Cys occurs at a position that is not conserved and is located in the RAD51 binding domain (Roy 2012). In silico analyses predict that this variant is unlikely to alter protein structure or function. Based on currently available information, it is unclear whether BRCA2 Tyr2047Cys is pathogenic or benign. We consider it to be a variant of uncertain significance.

Literature cited by the submitters: PubMed 30287823 (cited by Labcorp Genetics (formerly Invitae), Labcorp).

NM_000059.4(BRCA2):c.6140A>G (p.Tyr2047Cys)

Gene: BRCA2 (BRCA2 DNA repair associated; plus strand). Cytogenetic location: 13q13.1.
Variant type: single nucleotide variant.
Coding change: c.6140A>G on transcript NM_000059.4 (MANE Select); coding-DNA position 6140, A replaced by G.
Protein change: p.Tyr2047Cys; replaces tyrosine 2047 with cysteine.
Molecular consequence: missense variant.
Genome position (GRCh38, 1-based): chr13:32,340,495, A>G. VCF-style: chr13-32340495-A-G. GRCh37 (hg19) VCF-style: chr13-32914632-A-G.
Other names: p.Y2047C:TAT>TGT; short protein forms Y2047C.
Identifiers: ClinVar variation 182224 (VCV000182224.19), dbSNP rs730881542, ClinGen allele CA023691.